The following is an entry in ClinVar:

NM_022835.3(PLEKHG2):c.1691A>G (p.Asp564Gly)

Gene: PLEKHG2 (pleckstrin homology and RhoGEF domain containing G2; plus strand). Cytogenetic location: 19q13.2.
Variant type: single nucleotide variant.
Coding change: c.1691A>G on transcript NM_022835.3 (MANE Select); coding-DNA position 1691, A replaced by G.
Protein change: p.Asp564Gly; replaces aspartic acid 564 with glycine.
Molecular consequence: missense variant. On other transcripts: intron variant (1).
Genome position (GRCh38, 1-based): chr19:39,422,745, A>G. VCF-style: chr19-39422745-A-G. GRCh37 (hg19) VCF-style: chr19-39913385-A-G.
Other names: c.1514A>G, p.Asp505Gly (NM_001351693.2); c.1677+457A>G (NM_001351694.2); short protein forms D505G, D564G.
Identifiers: ClinVar variation 1714760 (VCV001714760.6), dbSNP rs2514455618, ClinGen allele CA405795817.
Genomic context (GRCh38, chr19:39,422,745, plus strand): 5'-AGCTACCATGCTGATATGTTTGGCTTGTTCTCCTGTGCCCACTATAGCCGTCCACCCATG[A>G]CATTCCCAAGTTCCCCGGAGACTCCCAGGTGCCTGGCGACAGCGAAACCCTCACATTCCA-3'
Protein context (NP_073746.2, residues 554-574): GLRDPGPSTH[Asp564Gly]IPKFPGDSQV

ClinVar aggregate classification (germline): Uncertain significance (1 of 4 stars; one submission).

Allele frequency attached by ClinVar (database versions not stated): gnomAD exomes below 0.00001.
gnomAD v4.1: 6 of 1,522,080 alleles (0.00039%); highest among the groups gnomAD compares: Middle Eastern, 0.018%; no homozygotes.

Submission:

Labcorp Genetics (formerly Invitae), Labcorp
Classification: Uncertain significance. Last evaluated: 2022-08-01. Review status: criteria provided, single submitter. Criteria: Invitae Variant Classification Sherloc (09022015). Collection method: clinical testing. Allele origin: germline.
Comment: In summary, the available evidence is currently insufficient to determine the role of this variant in disease. Therefore, it has been classified as a Variant of Uncertain Significance. Algorithms developed to predict the effect of missense changes on protein structure and function (SIFT, PolyPhen-2, Align-GVGD) all suggest that this variant is likely to be disruptive. This variant has not been reported in the literature in individuals affected with PLEKHG2-related conditions. This variant is not present in population databases (gnomAD no frequency). This sequence change replaces aspartic acid, which is acidic and polar, with glycine, which is neutral and non-polar, at codon 564 of the PLEKHG2 protein (p.Asp564Gly).